The following is an entry in ClinVar:

NM_001135254.2(PAX7):c.1185G>A (p.Ala395=)

Gene: PAX7 (paired box 7; plus strand). Cytogenetic location: 1p36.13.
Variant type: single nucleotide variant.
Coding change: c.1185G>A on transcript NM_001135254.2 (MANE Select); coding-DNA position 1185, G replaced by A.
Protein change: p.Ala395=; no amino-acid change (alanine 395 retained).
Molecular consequence: synonymous variant.
Genome position (GRCh38, 1-based): chr1:18,735,661, G>A. VCF-style: chr1-18735661-G-A. GRCh37 (hg19) VCF-style: chr1-19062155-G-A.
Other names: c.1185G>A, p.Ala395= (NM_002584.3); c.1179G>A, p.Ala393= (NM_013945.3).
Identifiers: ClinVar variation 3035705 (VCV003035705.2), dbSNP rs138918372, ClinGen allele CA645898.

ClinVar aggregate classification (germline): Likely benign (0 of 4 stars; one submission).

Conditions:
PAX7-related disorder. Also called: PAX7-related condition.

Allele frequency attached by ClinVar (database versions not stated): ESP Exome Variant Server 0.00023; gnomAD 0.00030; TOPMed 0.00047; 1000 Genomes Project 0.00120; 1000 Genomes Project 30x 0.00125.
gnomAD v4.1: 147 of 1,613,830 alleles (0.0091%); highest among the groups gnomAD compares: Admixed American, 0.072%; no homozygotes.

Submission:

PreventionGenetics, part of Exact Sciences
Classification: Likely benign for PAX7-related condition. Last evaluated: 2020-07-23. Review status: no assertion criteria provided. Collection method: clinical testing. Allele origin: germline.
Comment: This variant is classified as likely benign based on ACMG/AMP sequence variant interpretation guidelines (Richards et al. 2015 PMID: 25741868, with internal and published modifications).